The following is an entry in ClinVar:

ClinVar aggregate classification (germline): Benign. Review status: criteria provided, single submitter (1 of 4 stars). 2 submissions from 2 submitters: Benign (1). 1 of the submissions does not count toward it. Last evaluated 2026-08-07.

Conditions:
POLQ-related disorder. Also called: POLQ-related condition.
Familial cancer of breast. Also called: hereditary breast carcinoma; BREAST CANCER, FAMILIAL; Hereditary breast cancer. Identifiers: Orphanet 227535, MedGen C0346153, MONDO:0016419, OMIM 114480. Disease mechanism: loss of function.

Allele frequency attached by ClinVar (database versions not stated): 1000 Genomes Project 30x 0.04919; gnomAD 0.05982; TOPMed 0.06367; ESP Exome Variant Server 0.06635; 1000 Genomes Project 0.04852; ExAC 0.04652; gnomAD exomes 0.05146.
gnomAD v4.1: 84,566 of 1,612,812 alleles (5.2%); highest among the groups gnomAD compares: African/African-American, 9.1%; 2,610 homozygotes.

Submissions (2):

Genomic Medicine Laboratory, Hospital de Clinicas de Porto Alegre
Classification: Benign for Familial cancer of breast. Last evaluated: 2026-08-07. Review status: criteria provided, single submitter. Criteria: ACGS UK Practice Guidelines For Variant Classification V12 2024. Collection method: research. Allele origin: germline. Affected: yes. Observed: 2 variant alleles.
Comment: BA1: Allele frequency is above 5%

PreventionGenetics, part of Exact Sciences
Classification: Benign for POLQ-related condition. Last evaluated: 2019-05-02. Review status: no assertion criteria provided. Collection method: clinical testing. Allele origin: germline. Not counted in ClinVar's aggregate classification.
Comment: This variant is classified as benign based on ACMG/AMP sequence variant interpretation guidelines (Richards et al. 2015 PMID: 25741868, with internal and published modifications).

NM_199420.4(POLQ):c.1323G>A (p.Ala441=)

Gene: POLQ (DNA polymerase theta; minus strand). Cytogenetic location: 3q13.33.
Variant type: single nucleotide variant.
Coding change: c.1323G>A on transcript NM_199420.4 (MANE Select); coding-DNA position 1323, G replaced by A.
Protein change: p.Ala441=; no amino-acid change (alanine 441 retained).
Molecular consequence: synonymous variant.
Genome position (GRCh38, 1-based): chr3:121,520,016, C>T on the plus strand (G>A on the coding strand, the complement: POLQ is on the minus strand). VCF-style: chr3-121520016-C-T. GRCh37 (hg19) VCF-style: chr3-121238863-C-T.
Identifiers: ClinVar variation 3055881 (VCV003055881.3), dbSNP rs35766343, ClinGen allele CA2563565.